The following is an entry in ClinVar:

NM_000312.4(PROC):c.1155G>A (p.Met385Ile)

Gene: PROC (protein C, inactivator of coagulation factors Va and VIIIa; plus strand). Cytogenetic location: 2q14.3.
Variant type: single nucleotide variant.
Coding change: c.1155G>A on transcript NM_000312.4 (MANE Select); coding-DNA position 1155, G replaced by A.
Protein change: p.Met385Ile; replaces methionine 385 with isoleucine.
Molecular consequence: missense variant.
Genome position (GRCh38, 1-based): chr2:127,428,715, G>A. VCF-style: chr2-127428715-G-A. GRCh37 (hg19) VCF-style: chr2-128186291-G-A.
Other names: p.Met385Ile; c.1338G>A, p.Met446Ile (NM_001375602.1); c.1320G>A, p.Met440Ile (NM_001375603.1); c.1218G>A, p.Met406Ile (NM_001375604.1); c.1257G>A, p.Met419Ile (NM_001375605.1); c.1323G>A, p.Met441Ile (NM_001375606.1); c.1341G>A, p.Met447Ile (NM_001375607.1); c.1098G>A, p.Met366Ile (NM_001375608.1); and 3 more; short protein forms M447I, M366I, M377I, M383I, M406I, M446I, M385I, M419I.
Identifiers: ClinVar variation 934521 (VCV000934521.30), dbSNP rs1688692415, ClinGen allele CA348406045.
Genomic context (GRCh38, chr2:127,428,715, plus strand): 5'-TCCCGTGGTCCCGCACAATGAGTGCAGCGAGGTCATGAGCAACATGGTGTCTGAGAACAT[G>A]CTGTGTGCGGGCATCCTCGGGGACCGGCAGGATGCCTGCGAGGGCGACAGTGGGGGGCCC-3'
Protein context (NP_000303.1, residues 375-395): EVMSNMVSEN[Met385Ile]LCAGILGDRQ

ClinVar aggregate classification (germline): Conflicting classifications of pathogenicity. Review status: criteria provided, conflicting classifications (1 of 4 stars). 5 submissions from 5 submitters: Likely pathogenic (3); Uncertain significance (2). Last evaluated 2025-07-28.

Conditions:
Thrombophilia due to protein C deficiency, autosomal dominant. Also called: PROC DEFICIENCY, AUTOSOMAL DOMINANT; PROTEIN C DEFICIENCY, AUTOSOMAL DOMINANT. Identifiers: Orphanet 745, MedGen C2674321, MONDO:0008316, OMIM 176860. Disease mechanism: loss of function.

Allele frequency attached by ClinVar (database versions not stated): gnomAD exomes below 0.00001.
gnomAD v4.1: 2 of 1,613,738 alleles (0.00012%); highest among the groups gnomAD compares: Non-Finnish European, 0.00017%; no homozygotes.

Submissions (5):

Labcorp Genetics (formerly Invitae), Labcorp
Classification: Uncertain significance for Thrombophilia due to protein C deficiency, autosomal dominant. Last evaluated: 2025-07-28. Review status: criteria provided, single submitter. Criteria: Invitae Variant Classification Sherloc (09022015). Collection method: clinical testing. Allele origin: germline.
Comment: This sequence change replaces methionine, which is neutral and non-polar, with isoleucine, which is neutral and non-polar, at codon 385 of the PROC protein (p.Met385Ile). This variant is not present in population databases (gnomAD no frequency). This missense change has been observed in individual(s) with clinical features of PROC-related conditions (PMID: 8499565, 34650936). This variant is also known as Met343Ile. ClinVar contains an entry for this variant (Variation ID: 934521). Invitae Evidence Modeling of protein sequence and biophysical properties (such as structural, functional, and spatial information, amino acid conservation, physicochemical variation, residue mobility, and thermodynamic stability) indicates that this missense variant is expected to disrupt PROC protein function with a positive predictive value of 80%. In summary, the available evidence is currently insufficient to determine the role of this variant in disease. Therefore, it has been classified as a Variant of Uncertain Significance.

Mayo Clinic Laboratories, Mayo Clinic
Classification: Likely pathogenic. Last evaluated: 2024-12-04. Review status: criteria provided, single submitter. Criteria: ACMG Guidelines, 2015. Collection method: clinical testing. Allele origin: germline. Observed: 2 variant alleles.
Comment: PP3, PM1, PM2_moderate, PS4_moderate

CeGaT Center for Human Genetics Tuebingen
Classification: Likely pathogenic. Last evaluated: 2024-04-01. Review status: criteria provided, single submitter. Criteria: CeGaT Center For Human Genetics Tuebingen Variant Classification Criteria Version 2. Collection method: clinical testing. Allele origin: germline. Affected: yes. Observed: 1 variant allele.
Comment: PROC: PM1, PM2, PS4:Moderate

GeneDx
Classification: Uncertain significance. Last evaluated: 2023-01-06. Review status: criteria provided, single submitter. Criteria: GeneDx Variant Classification Process June 2021. Collection method: clinical testing. Allele origin: germline. Affected: yes.
Comment: In silico analysis supports that this missense variant has a deleterious effect on protein structure/function; Not observed at significant frequency in large population cohorts (gnomAD); Also known as p.M343I; This variant is associated with the following publications: (PMID: 34650936, 8499565)

MGZ Medical Genetics Center
Classification: Likely pathogenic for Thrombophilia due to protein C deficiency, autosomal dominant. Last evaluated: 2021-12-27. Review status: criteria provided, single submitter. Criteria: ACMG Guidelines, 2015. Collection method: clinical testing. Allele origin: germline. Affected: yes. Observed: 2 variant alleles.
Comment: ACMG criteria applied: PS4, PM2_SUP, PP3

Literature cited by the submitters: PubMed 8499565 (cited by Labcorp Genetics (formerly Invitae), Labcorp and Mayo Clinic Laboratories, Mayo Clinic); PubMed 34650936 (cited by Labcorp Genetics (formerly Invitae), Labcorp and Mayo Clinic Laboratories, Mayo Clinic).